The following is an entry in ClinVar:

NM_014874.4(MFN2):c.1950G>A (p.Leu650=)

Gene: MFN2 (mitofusin 2; plus strand). Cytogenetic location: 1p36.22.
Variant type: single nucleotide variant.
Coding change: c.1950G>A on transcript NM_014874.4 (MANE Select); coding-DNA position 1950, G replaced by A.
Protein change: p.Leu650=; no amino-acid change (leucine 650 retained).
Molecular consequence: synonymous variant.
Genome position (GRCh38, 1-based): chr1:12,007,130, G>A. VCF-style: chr1-12007130-G-A. GRCh37 (hg19) VCF-style: chr1-12067187-G-A.
Other names: c.1950G>A, p.Leu650= (NM_001127660.2).
Identifiers: ClinVar variation 292377 (VCV000292377.17), dbSNP rs772030424, ClinGen allele CA599283.
Genomic context (GRCh38, chr1:12,007,130, plus strand): 5'-CTGGCGGCTCATTGCCCTCTCCTTTGGGCTCTATGGCCTCCTCTACGTCTATGAGCGTCT[G>A]ACCTGGACCACCAAGGCCAAGGAGAGGGCCTTCAAGCGCCAGTTTGTGGAGCATGCCAGC-3'
Protein context (NP_055689.1, residues 640-660): LYGLLYVYER[Leu650=]TWTTKAKERA

ClinVar aggregate classification (germline): Benign/Likely benign. Review status: criteria provided, multiple submitters, no conflicts (2 of 4 stars). 5 submissions from 4 submitters: Benign (1); Likely benign (4). Last evaluated 2024-01-21.

Conditions:
Charcot-Marie-Tooth disease type 2. Also called: Charcot-Marie-Tooth type 2. Identifiers: Orphanet 64746, MedGen C0270914, MONDO:0018993.
Hereditary motor and sensory neuropathy with optic atrophy. Also called: PERIPHERAL NEUROPATHY AND OPTIC ATROPHY; CHARCOT-MARIE-TOOTH DISEASE, TYPE 6. Identifiers: Orphanet 90120, MedGen C0393807, MONDO:0019551.
Inborn genetic diseases. Identifiers: MedGen C0950123, MeSH D030342.

Allele frequency attached by ClinVar (database versions not stated): gnomAD below 0.00001 and 0.00001; gnomAD exomes 0.00003 and 0.00006; ExAC 0.00008.
gnomAD v4.1: 51 of 1,614,068 alleles (0.0032%); highest among the groups gnomAD compares: South Asian, 0.052%; no homozygotes.

Submissions (5):

Labcorp Genetics (formerly Invitae), Labcorp
Classification: Likely benign for Charcot-Marie-Tooth disease type 2. Last evaluated: 2024-01-21. Review status: criteria provided, single submitter. Criteria: Invitae Variant Classification Sherloc (09022015). Collection method: clinical testing. Allele origin: germline.

Blueprint Genetics
Classification: Likely benign. Last evaluated: 2023-07-12. Review status: criteria provided, single submitter. Criteria: ACMG Guidelines, 2015. Collection method: clinical testing. Allele origin: germline.

Ambry Genetics
Classification: Likely benign for Inborn genetic diseases. Last evaluated: 2019-07-11. Review status: criteria provided, single submitter. Criteria: Ambry Variant Classification Scheme 2023. Collection method: clinical testing. Allele origin: germline.

Illumina Laboratory Services, Illumina
Classification: Likely benign for Charcot-Marie-Tooth disease, type 2. Last evaluated: 2018-01-12. Review status: criteria provided, single submitter. Criteria: ICSL Variant Classification Criteria 13 December 2019. Collection method: clinical testing. Allele origin: germline.
Comment: This variant was observed in the ICSL laboratory as part of a predisposition screen in an ostensibly healthy population. It had not been previously curated by ICSL or reported in the Human Gene Mutation Database (HGMD: prior to June 1st, 2018), and was therefore a candidate for classification through an automated scoring system. Utilizing variant allele frequency, disease prevalence and penetrance estimates, and inheritance mode, an automated score was calculated to assess if this variant is too frequent to cause the disease. Based on the score and internal cut-off values, a variant classified as likely benign is not then subjected to further curation. The score for this variant resulted in a classification of likely benign for this disease.

Illumina Laboratory Services, Illumina
Classification: Benign for Neuropathy, hereditary motor and sensory, type 6A. Last evaluated: 2018-01-12. Review status: criteria provided, single submitter. Criteria: ICSL Variant Classification Criteria 13 December 2019. Collection method: clinical testing. Allele origin: germline.
Comment: This variant was observed in the ICSL laboratory as part of a predisposition screen in an ostensibly healthy population. It had not been previously curated by ICSL or reported in the Human Gene Mutation Database (HGMD: prior to June 1st, 2018), and was therefore a candidate for classification through an automated scoring system. Utilizing variant allele frequency, disease prevalence and penetrance estimates, and inheritance mode, an automated score was calculated to assess if this variant is too frequent to cause the disease. Based on the score and internal cut-off values, a variant classified as benign is not then subjected to further curation. The score for this variant resulted in a classification of benign for this disease.